The following is an entry in ClinVar:

ClinVar aggregate classification (germline): Uncertain significance. Review status: criteria provided, multiple submitters, no conflicts (2 of 4 stars). 2 submissions from 2 submitters: Uncertain significance (2). Last evaluated 2025-10-22.

Conditions:
Inborn genetic diseases. Identifiers: MedGen C0950123, MeSH D030342.

Allele frequency attached by ClinVar (database versions not stated): gnomAD 0.00003; 1000 Genomes Project 0.00020; ExAC 0.00005; 1000 Genomes Project 30x 0.00016.

Submissions (2):

Labcorp Genetics (formerly Invitae), Labcorp
Classification: Uncertain significance. Last evaluated: 2025-10-22. Review status: criteria provided, single submitter. Criteria: Invitae Variant Classification Sherloc (09022015). Collection method: clinical testing. Allele origin: germline.
Comment: This sequence change replaces methionine, which is neutral and non-polar, with arginine, which is basic and polar, at codon 614 of the GRHL2 protein (p.Met614Arg). This variant is present in population databases (rs543806585, gnomAD 0.03%). This variant has not been reported in the literature in individuals affected with GRHL2-related conditions. ClinVar contains an entry for this variant (Variation ID: 2956784). Invitae Evidence Modeling of protein sequence and biophysical properties (such as structural, functional, and spatial information, amino acid conservation, physicochemical variation, residue mobility, and thermodynamic stability) indicates that this missense variant is not expected to disrupt GRHL2 protein function with a negative predictive value of 80%. In summary, the available evidence is currently insufficient to determine the role of this variant in disease. Therefore, it has been classified as a Variant of Uncertain Significance.

Ambry Genetics
Classification: Uncertain significance for Inborn genetic diseases. Last evaluated: 2024-09-26. Review status: criteria provided, single submitter. Criteria: Ambry Variant Classification Scheme 2023. Collection method: clinical testing. Allele origin: germline.

NM_024915.4(GRHL2):c.1841T>G (p.Met614Arg)

Gene: GRHL2 (grainyhead like transcription factor 2; plus strand). Cytogenetic location: 8q22.3.
Variant type: single nucleotide variant.
Coding change: c.1841T>G on transcript NM_024915.4 (MANE Select); coding-DNA position 1841, T replaced by G.
Protein change: p.Met614Arg; replaces methionine 614 with arginine.
Molecular consequence: missense variant.
Genome position (GRCh38, 1-based): chr8:101,666,666, T>G. VCF-style: chr8-101666666-T-G. GRCh37 (hg19) VCF-style: chr8-102678894-T-G.
Other names: c.1793T>G, p.Met598Arg (NM_001330593.2); c.1841T>G (NM_024915.3); short protein forms M614R, M598R.
Identifiers: ClinVar variation 2956784 (VCV002956784.4), dbSNP rs543806585, ClinGen allele CA4830741.